The following is an entry in ClinVar:

NM_198576.4(AGRN):c.1105_1106del (p.Val369fs)

Gene: AGRN (agrin; plus strand). Cytogenetic location: 1p36.33.
Variant type: Microsatellite.
Coding change: c.1105_1106del on transcript NM_198576.4 (MANE Select); coding-DNA positions 1105 to 1106, 2 bases deleted (GT; older notation c.1105_1106delGT).
Protein change: p.Val369fs; shifts the reading frame from valine 369.
Molecular consequence: frameshift variant.
Genome position (GRCh38, 1-based): chr1:1,041,630-1,041,631, GT deleted; deleting any 2 consecutive bases within chr1:1,041,627-1,041,631 gives the same sequence; the c. name uses the placement nearest the transcript's 3' end. VCF-style (leftmost placement, unchanged base first): chr1-1041626-CTG-C. GRCh37 (hg19) VCF-style: chr1-977006-CTG-C.
Other names: c.1105_1106del, p.Val369fs (NM_001305275.2); c.790_791del, p.Val264fs (NM_001364727.2); short protein forms V369fs, V264fs.
Identifiers: ClinVar variation 1384683 (VCV001384683.6), dbSNP rs2100635414, ClinGen allele CA2580611122.

ClinVar aggregate classification (germline): Pathogenic (1 of 4 stars; one submission).

Conditions:
Congenital myasthenic syndrome 8. Also called: Myasthenic syndrome, congenital, 8, with pre- and postsynaptic defects; MYASTHENIC SYNDROME, CONGENITAL, DUE TO AGRIN DEFICIENCY. Identifiers: Orphanet 590, MedGen C3808739, MONDO:0014052, OMIM 615120.

Submission:

Labcorp Genetics (formerly Invitae), Labcorp
Classification: Pathogenic for Congenital myasthenic syndrome 8. Last evaluated: 2021-01-13. Review status: criteria provided, single submitter. Criteria: Invitae Variant Classification Sherloc (09022015). Collection method: clinical testing. Allele origin: germline.
Comment: This sequence change creates a premature translational stop signal (p.Val369Hisfs*53) in the AGRN gene. It is expected to result in an absent or disrupted protein product. Loss-of-function variants in AGRN are known to be pathogenic (PMID: 24951643). This variant is not present in population databases (ExAC no frequency). This variant has not been reported in the literature in individuals with AGRN-related conditions. For these reasons, this variant has been classified as Pathogenic.

Literature cited by the submitters: PubMed 24951643.